The following is an entry in ClinVar:

NM_020366.4(RPGRIP1):c.3511del (p.Ile1171fs)

Gene: RPGRIP1 (RPGR interacting protein 1; plus strand). Cytogenetic location: 14q11.2.
Variant type: Deletion.
Coding change: c.3511del on transcript NM_020366.4 (MANE Select); coding-DNA position 3511, one base deleted (A; older notation c.3511delA).
Protein change: p.Ile1171fs; shifts the reading frame from isoleucine 1171.
Molecular consequence: frameshift variant.
Genome position (GRCh38, 1-based): chr14:21,343,207, A deleted; the last of 3 consecutive A bases (chr14:21,343,205-21,343,207); deleting any one gives the same sequence. VCF-style (leftmost placement, unchanged base first): chr14-21343204-GA-G. GRCh37 (hg19) VCF-style: chr14-21811363-GA-G.
Other names: c.1489del, p.Ile497fs (NM_001377523.1, NM_001377950.1); c.2437del, p.Ile813fs (NM_001377948.1); c.1597del, p.Ile533fs (NM_001377949.1); c.994del, p.Ile332fs (NM_001377951.1); short protein forms I813fs, I1171fs, I332fs, I497fs, I533fs.
Identifiers: ClinVar variation 2941700 (VCV002941700.3), dbSNP rs1348586850, ClinGen allele CA612384355.

ClinVar aggregate classification (germline): Pathogenic (1 of 4 stars; one submission).

Conditions:
Cone-rod dystrophy 13 (CORD13). Identifiers: Orphanet 1872, MedGen C2750720, MONDO:0011987, OMIM 608194.
Leber congenital amaurosis 6 (LCA6). Identifiers: Orphanet 65, MedGen C1854260, MONDO:0013446, OMIM 613826.

Submission:

Labcorp Genetics (formerly Invitae), Labcorp
Classification: Pathogenic for Leber congenital amaurosis 6; Cone-rod dystrophy 13. Last evaluated: 2022-12-03. Review status: criteria provided, single submitter. Criteria: Invitae Variant Classification Sherloc (09022015). Collection method: clinical testing. Allele origin: germline.
Comment: For these reasons, this variant has been classified as Pathogenic. This variant has not been reported in the literature in individuals affected with RPGRIP1-related conditions. This variant is present in population databases (no rsID available, gnomAD 0.01%). This sequence change creates a premature translational stop signal (p.Ile1171Serfs*8) in the RPGRIP1 gene. It is expected to result in an absent or disrupted protein product. Loss-of-function variants in RPGRIP1 are known to be pathogenic (PMID: 11528500, 23105016).

Literature cited by the submitters: PubMed 11528500; PubMed 23105016.